The following is an entry in ClinVar:

ClinVar aggregate classification (germline): Uncertain significance (1 of 4 stars; one submission).

Conditions:
Long QT syndrome (LQTS). Identifiers: MedGen C0023976, MeSH D008133, MONDO:0002442. Disease mechanism: loss of function. Inheritance: Various modes of inheritance.

Submission:

Labcorp Genetics (formerly Invitae), Labcorp
Classification: Uncertain significance for Long QT syndrome. Last evaluated: 2025-09-19. Review status: criteria provided, single submitter. Criteria: Invitae Variant Classification Sherloc (09022015). Collection method: clinical testing. Allele origin: germline.
Comment: This sequence change replaces histidine, which is basic and polar, with tyrosine, which is neutral and polar, at codon 3016 of the AKAP9 protein (p.His3016Tyr). This variant is not present in population databases (gnomAD no frequency). This variant has not been reported in the literature in individuals affected with AKAP9-related conditions. An algorithm developed to predict the effect of missense changes on protein structure and function (PolyPhen-2) suggests that this variant is likely to be tolerated. In summary, the available evidence is currently insufficient to determine the role of this variant in disease. Therefore, it has been classified as a Variant of Uncertain Significance.

NM_005751.5(AKAP9):c.9046C>T (p.His3016Tyr)

Gene: AKAP9 (A-kinase anchoring protein 9; plus strand). Cytogenetic location: 7q21.2.
Variant type: single nucleotide variant.
Coding change: c.9046C>T on transcript NM_005751.5 (MANE Select); coding-DNA position 9046, C replaced by T.
Protein change: p.His3016Tyr; replaces histidine 3016 with tyrosine.
Molecular consequence: missense variant.
Genome position (GRCh38, 1-based): chr7:92,086,249, C>T. VCF-style: chr7-92086249-C-T. GRCh37 (hg19) VCF-style: chr7-91715563-C-T.
Other names: c.3691C>T, p.His1231Tyr (NM_001379277.1); c.9022C>T, p.His3008Tyr (NM_147185.3); short protein forms H1231Y, H3008Y, H3016Y.
Identifiers: ClinVar variation 4697849 (VCV004697849.1).